The following is an entry in ClinVar:

ClinVar aggregate classification (germline): Uncertain significance (1 of 4 stars; one submission).

Conditions:
Early-infantile DEE. Also called: Early infantile epileptic encephalopathy; Ohtahara syndrome; Early infantile epileptic encephalopathy with suppression bursts. Identifiers: Orphanet 1934, MedGen C0393706, MONDO:0800491.

gnomAD v4.1: 1 of 1,613,630 alleles (0.000062%); highest among the groups gnomAD compares: Non-Finnish European, 0.000085%; no homozygotes.

Submission:

Labcorp Genetics (formerly Invitae), Labcorp
Classification: Uncertain significance for Early-infantile DEE. Last evaluated: 2024-03-02. Review status: criteria provided, single submitter. Criteria: Invitae Variant Classification Sherloc (09022015). Collection method: clinical testing. Allele origin: germline.
Comment: This sequence change replaces methionine, which is neutral and non-polar, with threonine, which is neutral and polar, at codon 473 of the HCN1 protein (p.Met473Thr). This variant is not present in population databases (gnomAD no frequency). This variant has not been reported in the literature in individuals affected with HCN1-related conditions. Advanced modeling of protein sequence and biophysical properties (such as structural, functional, and spatial information, amino acid conservation, physicochemical variation, residue mobility, and thermodynamic stability) performed at Invitae indicates that this missense variant is expected to disrupt HCN1 protein function with a positive predictive value of 80%. In summary, the available evidence is currently insufficient to determine the role of this variant in disease. Therefore, it has been classified as a Variant of Uncertain Significance.

NM_021072.4(HCN1):c.1418T>C (p.Met473Thr)

Gene: HCN1 (hyperpolarization activated cyclic nucleotide gated potassium channel 1; minus strand). Cytogenetic location: 5p12.
Variant type: single nucleotide variant.
Coding change: c.1418T>C on transcript NM_021072.4 (MANE Select); coding-DNA position 1418, T replaced by C.
Protein change: p.Met473Thr; replaces methionine 473 with threonine.
Molecular consequence: missense variant.
Genome position (GRCh38, 1-based): chr5:45,303,799, A>G on the plus strand (T>C on the coding strand, the complement: HCN1 is on the minus strand). VCF-style: chr5-45303799-A-G. GRCh37 (hg19) VCF-style: chr5-45303901-A-G.
Other names: short protein forms M473T.
Identifiers: ClinVar variation 3644070 (VCV003644070.2).